The following is an entry in ClinVar:

NM_014915.3(ANKRD26):c.1076A>G (p.Lys359Arg)

Gene: ANKRD26 (ankyrin repeat domain 26; minus strand). Cytogenetic location: 10p12.1.
Variant type: single nucleotide variant.
Coding change: c.1076A>G on transcript NM_014915.3 (MANE Select); coding-DNA position 1076, A replaced by G.
Protein change: p.Lys359Arg; replaces lysine 359 with arginine.
Molecular consequence: missense variant.
Genome position (GRCh38, 1-based): chr10:27,077,339, T>C on the plus strand (A>G on the coding strand, the complement: ANKRD26 is on the minus strand). VCF-style: chr10-27077339-T-C. GRCh37 (hg19) VCF-style: chr10-27366268-T-C.
Other names: c.1076A>G, p.Lys359Arg (NM_001256053.2); short protein forms K359R.
Identifiers: ClinVar variation 4859989 (VCV004859989.1).

ClinVar aggregate classification (germline): Uncertain significance (1 of 4 stars; one submission).

Conditions:
Inborn genetic diseases. Identifiers: MedGen C0950123, MeSH D030342.

gnomAD v4.1: 1 of 1,612,412 alleles (0.000062%); highest among the groups gnomAD compares: South Asian, 0.0011%; no homozygotes.

Submission:

Ambry Genetics
Classification: Uncertain significance for Inborn genetic diseases. Last evaluated: 2026-06-08. Review status: criteria provided, single submitter. Criteria: Ambry Variant Classification Scheme 2023. Collection method: clinical testing. Allele origin: germline.
Comment: The p.K359R variant (also known as c.1076A>G), located in coding exon 9 of the ANKRD26 gene, results from an A to G substitution at nucleotide position 1076. The lysine at codon 359 is replaced by arginine, an amino acid with highly similar properties. This amino acid position is conserved. In addition, this alteration is predicted to be tolerated by in silico analysis. Based on the available evidence, the clinical significance of this variant remains unclear.